The following is an entry in ClinVar:

NM_016579.4(CD320):c.622_624del (p.Val208del)

Gene: CD320 (CD320 molecule; minus strand). Cytogenetic location: 19p13.2.
Variant type: Deletion.
Coding change: c.622_624del on transcript NM_016579.4 (MANE Select); coding-DNA positions 622 to 624, 3 bases deleted (GTC; older notation c.622_624delGTC).
Protein change: p.Val208del; deletes valine 208.
Molecular consequence: inframe deletion.
Genome position (GRCh38, 1-based): chr19:8,302,859-8,302,861, GAC deleted on the plus strand (GTC on the coding strand, the reverse complement: CD320 is on the minus strand). VCF-style (leftmost placement, unchanged base first): chr19-8302858-GGAC-G. GRCh37 (hg19) VCF-style: chr19-8367742-GGAC-G.
Other names: c.496_498del, p.Val166del (NM_001165895.2); short protein forms V208del, V166del.
Identifiers: ClinVar variation 2017815 (VCV002017815.4), dbSNP rs2512594697, ClinGen allele CA2580097134.

ClinVar aggregate classification (germline): Uncertain significance (1 of 4 stars; one submission).

Conditions:
Methylmalonic acidemia due to transcobalamin receptor defect (MATR). Also called: METHYLMALONIC ACIDEMIA, TCblR TYPE; METHYLMALONIC ACIDURIA, TRANSIENT, DUE TO TRANSCOBALAMIN RECEPTOR DEFECT. Identifiers: Orphanet 280183, MedGen C4749905, MONDO:0013341, OMIM 613646.

Submission:

Labcorp Genetics (formerly Invitae), Labcorp
Classification: Uncertain significance for Methylmalonic acidemia due to transcobalamin receptor defect. Last evaluated: 2022-07-17. Review status: criteria provided, single submitter. Criteria: Invitae Variant Classification Sherloc (09022015). Collection method: clinical testing. Allele origin: germline.
Comment: In summary, the available evidence is currently insufficient to determine the role of this variant in disease. Therefore, it has been classified as a Variant of Uncertain Significance. This variant has not been reported in the literature in individuals affected with CD320-related conditions. This variant is not present in population databases (gnomAD no frequency). This variant, c.622_624del, results in the deletion of 1 amino acid(s) of the CD320 protein (p.Val208del), but otherwise preserves the integrity of the reading frame.